The following is an entry in ClinVar:

NM_001267550.2(TTN):c.80898T>C (p.Ser26966=)

Genes: TTN-AS1 (TTN antisense RNA 1; plus strand), TTN (titin; minus strand). Cytogenetic location: 2q31.2.
Variant type: single nucleotide variant.
Coding change: c.80898T>C on transcript NM_001267550.2 (MANE Select); coding-DNA position 80898, T replaced by C.
Protein change: p.Ser26966=; no amino-acid change (serine 26966 retained).
Molecular consequence: synonymous variant.
Genome position (GRCh38, 1-based): chr2:178,565,234, A>G on the plus strand (T>C on the coding strand, the complement: TTN is on the minus strand). VCF-style: chr2-178565234-A-G. GRCh37 (hg19) VCF-style: chr2-179429961-A-G.
Other names: c.73194T>C, p.Ser24398= (NM_133378.4); c.75975T>C, p.Ser25325= (NM_001256850.1); c.53703T>C, p.Ser17901= (NM_003319.4); c.54078T>C, p.Ser18026= (NM_133432.3); c.54279T>C, p.Ser18093= (NM_133437.4).
Identifiers: ClinVar variation 228147 (VCV000228147.18), dbSNP rs374042845, ClinGen allele CA10576477.

ClinVar aggregate classification (germline): Likely benign. Review status: criteria provided, multiple submitters, no conflicts (2 of 4 stars). 5 submissions from 5 submitters: Likely benign (5). Last evaluated 2025-11-26.

Conditions:
TTN-related disorder. Also called: TTN-related disorders; TTN-related condition; TTN-related disease.
Cardiovascular phenotype. Identifiers: MedGen CN230736.
Dilated cardiomyopathy 1G (CMD1G). Identifiers: Orphanet 154, MedGen C1858763, MONDO:0011400, OMIM 604145.
Autosomal recessive limb-girdle muscular dystrophy type 2J (LGMDR10). Also called: Limb-girdle muscular dystrophy, type 2J; MUSCULAR DYSTROPHY, LIMB-GIRDLE, AUTOSOMAL RECESSIVE 10. Identifiers: Orphanet 140922, MedGen C1837342, MONDO:0012127, OMIM 608807.
Early-onset myopathy with fatal cardiomyopathy (CMYO5). Also called: CONGENITAL MYOPATHY 5 WITH CARDIOMYOPATHY; Salih Myopathy. Identifiers: Orphanet 289377, MedGen C2673677, MONDO:0012714, OMIM 611705. Disease mechanism: loss of function.
Tibial muscular dystrophy (TMD). Also called: Tibial muscular dystrophy, tardive; Udd Distal Myopathy – Tibial Muscular Dystrophy; UDD MYOPATHY. Identifiers: Orphanet 609, MedGen C1838244, MONDO:0010870, OMIM 600334.
Myopathy, myofibrillar, 9, with early respiratory failure (MFM9). Also called: Myopathy, distal, with early respiratory failure, autosomal dominant; MYOPATHY, PROXIMAL, WITH EARLY RESPIRATORY MUSCLE INVOLVEMENT; Hereditary myopathy with early respiratory failure; EDSTROM MYOPATHY. Identifiers: Orphanet 178464, Orphanet 34521, MedGen C1863599, MONDO:0011362, OMIM 603689.
Hypertrophic cardiomyopathy 9. Also called: Familial hypertrophic cardiomyopathy 9. Identifiers: MedGen C1861065, MONDO:0013412, OMIM 613765.

Allele frequency attached by ClinVar (database versions not stated): gnomAD exomes below 0.00001; gnomAD 0.00002; TOPMed 0.00005; ESP Exome Variant Server 0.00008.
gnomAD v4.1: 9 of 1,613,380 alleles (0.00056%); highest among the groups gnomAD compares: African/African-American, 0.011%; no homozygotes.

Submissions (5):

Labcorp Genetics (formerly Invitae), Labcorp
Classification: Likely benign for Dilated cardiomyopathy 1G; Autosomal recessive limb-girdle muscular dystrophy type 2J. Last evaluated: 2025-11-26. Review status: criteria provided, single submitter. Criteria: Invitae Variant Classification Sherloc (09022015). Collection method: clinical testing. Allele origin: germline.

PreventionGenetics, part of Exact Sciences
Classification: Likely benign for TTN-related condition. Last evaluated: 2025-07-24. Review status: criteria provided, single submitter. Criteria: ACMG Guidelines, 2015. Collection method: clinical testing. Allele origin: germline.
Comment: This variant is classified as likely benign based on ACMG/AMP sequence variant interpretation guidelines (Richards et al. 2015 PMID: 25741868, with internal and published modifications).

Fulgent Genetics
Classification: Likely benign for Tibial muscular dystrophy; Myopathy, myofibrillar, 9, with early respiratory failure; Dilated cardiomyopathy 1G; Autosomal recessive limb-girdle muscular dystrophy type 2J; Early-onset myopathy with fatal cardiomyopathy; Hypertrophic cardiomyopathy 9. Last evaluated: 2021-07-14. Review status: criteria provided, single submitter. Criteria: ACMG Guidelines, 2015. Collection method: clinical testing. Allele origin: unknown.

Ambry Genetics
Classification: Likely benign for Cardiovascular phenotype. Last evaluated: 2021-05-03. Review status: criteria provided, single submitter. Criteria: Ambry Variant Classification Scheme 2023. Collection method: clinical testing. Allele origin: germline.

Laboratory for Molecular Medicine, Mass General Brigham Personalized Medicine
Classification: Likely benign. Last evaluated: 2012-03-19. Review status: criteria provided, single submitter. Criteria: LMM Criteria. Collection method: clinical testing. Allele origin: germline. Observed: 1 variant allele.
Comment: p.Ser24398Ser in exon 275 of TTN: This variant is not expected to have clinical significance because it does not alter an amino acid residue and is not located within the splice consensus sequence. It has been identified in 1/3072 African A merican chromosomes from a broad population by the NHLBI Exome Sequencing Projec t.